The following is an entry in ClinVar:

NM_000535.7(PMS2):c.1677A>C (p.Gly559=)

Gene: PMS2 (PMS1 homolog 2, mismatch repair system component; minus strand). Cytogenetic location: 7p22.1.
Variant type: single nucleotide variant.
Coding change: c.1677A>C on transcript NM_000535.7 (MANE Select); coding-DNA position 1677, A replaced by C.
Protein change: p.Gly559=; no amino-acid change (glycine 559 retained).
Molecular consequence: synonymous variant. On other transcripts: non-coding transcript variant (1), intron variant (1).
Genome position (GRCh38, 1-based): chr7:5,987,088, T>G on the plus strand (A>C on the coding strand, the complement: PMS2 is on the minus strand). VCF-style: chr7-5987088-T-G. GRCh37 (hg19) VCF-style: chr7-6026719-T-G.
Other names: c.1272A>C, p.Gly424= (NM_001322003.2, NM_001322004.2, NM_001322005.2 and 16 more transcripts); c.1521A>C, p.Gly507= (NM_001322006.2, NM_001406870.1); c.1359A>C, p.Gly453= (NM_001322007.2, NM_001322008.2, NM_001406876.1 and 2 more transcripts); c.1116A>C, p.Gly372= (NM_001322010.2, NM_001406906.1, NM_001406907.1); c.744A>C, p.Gly248= (NM_001322011.2, NM_001322012.2); c.1104A>C, p.Gly368= (NM_001322013.2, NM_001406909.1); c.1677A>C, p.Gly559= (NM_001322014.2, NM_001406871.1, NM_001406872.1); c.1368A>C, p.Gly456= (NM_001322015.2, NM_001406875.1, NM_001406877.1 and 5 more transcripts); and 13 more.
Identifiers: ClinVar variation 3903972 (VCV003903972.1).
Genomic context (GRCh38, chr7:5,987,088, plus strand): 5'-AAAACGCTTTGTGTTTGGGGTTGCGAGATTAGTTGGCTGAGGCAAAACTCGAAATTTACA[T>G]CCGGTATCTTCCTGGTTTGAATGGCAGTCCACATCTGAAAAAGAGTCGTCAGTTTTAGGC-3'
Protein context (NP_000526.2, residues 549-569): VDCHSNQEDT[Gly559=]CKFRVLPQPT

ClinVar aggregate classification (germline): Benign (1 of 4 stars; one submission).

Conditions:
Lynch syndrome 4 (LYNCH4). Also called: Colorectal cancer, hereditary nonpolyposis, type 4; Hereditary non-polyposis colorectal cancer, type 4. Identifiers: Orphanet 144, MedGen C1838333, MONDO:0013699, OMIM 614337. Disease mechanism: loss of function.

Submission:

Myriad Genetics, Inc.
Classification: Benign for Lynch syndrome 4. Last evaluated: 2025-01-31. Review status: criteria provided, single submitter. Criteria: Myriad Autosomal Dominant, Autosomal Recessive and X-Linked Classification Criteria (2023). Collection method: clinical testing. Allele origin: unknown.
Comment: This variant is considered benign. This variant is a silent/synonymous amino acid change and it is not expected to impact splicing.